The following is an entry in ClinVar:

NM_004329.3(BMPR1A):c.283A>G (p.Thr95Ala)

Gene: BMPR1A (bone morphogenetic protein receptor type 1A; plus strand). Cytogenetic location: 10q23.2.
Variant type: single nucleotide variant.
Coding change: c.283A>G on transcript NM_004329.3 (MANE Select); coding-DNA position 283, A replaced by G.
Protein change: p.Thr95Ala; replaces threonine 95 with alanine.
Molecular consequence: missense variant.
Genome position (GRCh38, 1-based): chr10:86,892,179, A>G. VCF-style: chr10-86892179-A-G. GRCh37 (hg19) VCF-style: chr10-88651936-A-G.
Other names: short protein forms T95A.
Identifiers: ClinVar variation 619781 (VCV000619781.12), dbSNP rs1564715471, ClinGen allele CA377448112.

ClinVar aggregate classification (germline): Uncertain significance. Review status: criteria provided, multiple submitters, no conflicts (2 of 4 stars). 2 submissions from 2 submitters: Uncertain significance (2). Last evaluated 2025-11-02.

Conditions:
Juvenile polyposis syndrome (JPS). Identifiers: Orphanet 2929, MedGen C0345893, MONDO:0017380, OMIM 174900.

Submissions (2):

Labcorp Genetics (formerly Invitae), Labcorp
Classification: Uncertain significance for Juvenile polyposis syndrome. Last evaluated: 2025-11-02. Review status: criteria provided, single submitter. Criteria: Invitae Variant Classification Sherloc (09022015). Collection method: clinical testing. Allele origin: germline.
Comment: This sequence change replaces threonine, which is neutral and polar, with alanine, which is neutral and non-polar, at codon 95 of the BMPR1A protein (p.Thr95Ala). This variant is not present in population databases (gnomAD no frequency). This missense change has been observed in individual(s) with breast and ovarian cancer (PMID: 35534704). ClinVar contains an entry for this variant (Variation ID: 619781). Invitae Evidence Modeling of protein sequence and biophysical properties (such as structural, functional, and spatial information, amino acid conservation, physicochemical variation, residue mobility, and thermodynamic stability) indicates that this missense variant is not expected to disrupt BMPR1A protein function with a negative predictive value of 80%. In summary, the available evidence is currently insufficient to determine the role of this variant in disease. Therefore, it has been classified as a Variant of Uncertain Significance.

Quest Diagnostics Nichols Institute San Juan Capistrano
Classification: Uncertain significance. Last evaluated: 2017-08-25. Review status: criteria provided, single submitter. Criteria: Quest Diagnostics criteria. Collection method: clinical testing. Allele origin: germline.

Literature cited by the submitters: PubMed 35534704 (cited by Labcorp Genetics (formerly Invitae), Labcorp).